The following is an entry in ClinVar:

ClinVar aggregate classification (germline): Pathogenic. Review status: reviewed by expert panel (3 of 4 stars). 5 submissions from 5 submitters: Pathogenic (1). 4 of the submissions do not count toward it. Last evaluated 2017-12-15.

Conditions:
Hereditary breast ovarian cancer syndrome. Also called: Hereditary breast and ovarian cancer syndrome (HBOC); Hereditary breast and ovarian cancer syndrome; Hereditary breast and ovarian cancer; Hereditary breast and/or ovarian cancer syndrome; Breast and ovarian cancer; BRCA1- and BRCA2-Associated Hereditary Breast and Ovarian Cancer. Identifiers: Orphanet 145, MedGen C0677776, MeSH D061325, MONDO:0003582. Disease mechanism: loss of function.
Breast-ovarian cancer, familial, susceptibility to, 1 (BROVCA1). Also called: OVARIAN CANCER, SUSCEPTIBILITY TO; BRCA1 Hereditary Breast and Ovarian Cancer. Identifiers: Orphanet 145, MedGen C2676676, MONDO:0011450, OMIM 604370. Disease mechanism: loss of function.
Familial cancer of breast. Also called: Hereditary breast cancer; hereditary breast carcinoma; BREAST CANCER, FAMILIAL. Identifiers: Orphanet 227535, MedGen C0346153, MONDO:0016419, OMIM 114480. Disease mechanism: loss of function.

Submissions (5):

Evidence-based Network for the Interpretation of Germline Mutant Alleles (ENIGMA)
Classification: Pathogenic for Breast-ovarian cancer, familial, susceptibility to, 1. Last evaluated: 2017-12-15. Review status: reviewed by expert panel. Criteria: ENIGMA BRCA1/2 Classification Criteria (2017-06-29). Collection method: curation. Allele origin: germline. Study: ENIGMA.
Comment: Variant allele predicted to encode a truncated non-functional protein.

Labcorp Genetics (formerly Invitae), Labcorp
Classification: Pathogenic for Hereditary breast ovarian cancer syndrome. Last evaluated: 2022-09-20. Review status: criteria provided, single submitter. Criteria: Invitae Variant Classification Sherloc (09022015). Collection method: clinical testing. Allele origin: germline. Not counted in ClinVar's aggregate classification.
Comment: This sequence change creates a premature translational stop signal (p.Ser398*) in the BRCA1 gene. It is expected to result in an absent or disrupted protein product. Loss-of-function variants in BRCA1 are known to be pathogenic (PMID: 20104584). This variant is not present in population databases (gnomAD no frequency). This premature translational stop signal has been observed in individual(s) with breast and/or ovarian cancer (PMID: 22923021). ClinVar contains an entry for this variant (Variation ID: 54159). For these reasons, this variant has been classified as Pathogenic.

Department of Molecular Diagnostics, Institute of Oncology Ljubljana
Classification: Pathogenic for Breast-ovarian cancer, familial, susceptibility to, 1. Last evaluated: 2020-04-02. Review status: criteria provided, single submitter. Criteria: ACMG Guidelines, 2015. Collection method: clinical testing. Allele origin: germline. Affected: yes. Not counted in ClinVar's aggregate classification.

Center for Precision Medicine, Meizhou People's Hospital
Classification: Pathogenic for Familial cancer of breast. Review status: no assertion criteria provided. Collection method: curation. Allele origin: germline. Affected: yes. Not counted in ClinVar's aggregate classification.

ClinVar Staff, National Center for Biotechnology Information (NCBI)
No classification provided. Condition: Familial cancer of breast. Review status: no classification provided. Collection method: literature only. Allele origin: germline. Affected: yes. Not counted in ClinVar's aggregate classification.

Literature cited by the submitters: PubMed 20104584 (cited by Labcorp Genetics (formerly Invitae), Labcorp); PubMed 22923021 (cited by Labcorp Genetics (formerly Invitae), Labcorp and ClinVar Staff, National Center for Biotechnology Information (NCBI)).

NM_007294.4(BRCA1):c.1193C>A (p.Ser398Ter)

Gene: BRCA1 (BRCA1 DNA repair associated; minus strand). Cytogenetic location: 17q21.31.
Variant type: single nucleotide variant.
Coding change: c.1193C>A on transcript NM_007294.4 (MANE Select); coding-DNA position 1193, C replaced by A.
Protein change: p.Ser398Ter; replaces serine 398 with a stop codon.
Molecular consequence: nonsense. On other transcripts: intron variant (137).
Genome position (GRCh38, 1-based): chr17:43,094,338, G>T on the plus strand (C>A on the coding strand, the complement: BRCA1 is on the minus strand). VCF-style: chr17-43094338-G-T. GRCh37 (hg19) VCF-style: chr17-41246355-G-T.
Other names: c.926C>A, p.Ser309Ter (NM_001407936.1, NM_001407930.1, NM_001407931.1 and 2 more transcripts); c.1070C>A, p.Ser357Ter (NM_001407937.1, NM_001407938.1, NM_001407939.1 and 19 more transcripts); c.1067C>A, p.Ser356Ter (NM_001407940.1, NM_001407941.1, NM_001407649.1 and 11 more transcripts); c.1052C>A, p.Ser351Ter (NM_001407942.1, NM_001407944.1, NM_001407945.1 and 29 more transcripts); c.1049C>A, p.Ser350Ter (NM_001407943.1, NM_001407964.1, NM_001407740.1 and 20 more transcripts); c.860C>A, p.Ser287Ter (NM_001407946.1, NM_001407947.1, NM_001407948.1 and 6 more transcripts); c.857C>A, p.Ser286Ter (NM_001407954.1, NM_001407955.1, NM_001407956.1 and 1 more transcripts); c.812C>A, p.Ser271Ter (NM_001407959.1, NM_001407960.1, NM_001407963.1); and 40 more; short protein forms S398*, S351*, S102*, S230*, S287*, S310*, S357*, S397*.
Identifiers: ClinVar variation 54159 (VCV000054159.10), dbSNP rs80357068, ClinGen allele CA000785.
Genomic context (GRCh38, chr17:43,094,338, plus strand): 5'-TCATTTAGAACGTCCAATACATCAGCTACTTTGGCATTTGATTCAGACTCCCCATCATGT[G>T]AGTCATCAGAACCTAACAGTTCATCACTTCTGGAAAACCACTCATTAACTTTCTGAATGC-3'